The following is an entry in ClinVar:

ClinVar aggregate classification (germline): Uncertain significance (1 of 4 stars; one submission).

Conditions:
Aortic aneurysm, familial thoracic 4 (AAT4). Also called: AORTIC ANEURYSM/AORTIC DISSECTION AND PATENT DUCTUS ARTERIOSUS. Identifiers: MedGen C1851504, MONDO:0007568, OMIM 132900.

Allele frequency attached by ClinVar (database versions not stated): TOPMed below 0.00001.

Submission:

Labcorp Genetics (formerly Invitae), Labcorp
Classification: Uncertain significance for Aortic aneurysm, familial thoracic 4. Last evaluated: 2018-09-18. Review status: criteria provided, single submitter. Criteria: Invitae Variant Classification Sherloc (09022015). Collection method: clinical testing. Allele origin: germline.
Comment: Algorithms developed to predict the effect of missense changes on protein structure and function (SIFT, PolyPhen-2, Align-GVGD) all suggest that this variant is likely to be tolerated, but these predictions have not been confirmed by published functional studies and their clinical significance is uncertain. This sequence change replaces leucine with valine at codon 892 of the MYH11 protein (p.Leu892Val). The leucine residue is highly conserved and there is a small physicochemical difference between leucine and valine. This variant is not present in population databases (ExAC no frequency). This variant has not been reported in the literature in individuals with MYH11-related disease. Algorithms developed to predict the effect of sequence changes on RNA splicing suggest that this variant may create or strengthen a splice site, but this prediction has not been confirmed by published transcriptional studies. In summary, the available evidence is currently insufficient to determine the role of this variant in disease. Therefore, it has been classified as a Variant of Uncertain Significance.

NM_002474.3(MYH11):c.2653C>G (p.Leu885Val)

Gene: MYH11 (myosin heavy chain 11; minus strand). Cytogenetic location: 16p13.11.
Variant type: single nucleotide variant.
Coding change: c.2653C>G on transcript NM_002474.3 (MANE Select); coding-DNA position 2653, C replaced by G.
Protein change: p.Leu885Val; replaces leucine 885 with valine.
Molecular consequence: missense variant.
Genome position (GRCh38, 1-based): chr16:15,741,669, G>C on the plus strand (C>G on the coding strand, the complement: MYH11 is on the minus strand). VCF-style: chr16-15741669-G-C. GRCh37 (hg19) VCF-style: chr16-15835526-G-C.
Other names: c.2674C>G, p.Leu892Val (NM_001040113.2, NM_001040114.2); c.2653C>G, p.Leu885Val (NM_022844.3); short protein forms L885V, L892V.
Identifiers: ClinVar variation 649897 (VCV000649897.8), dbSNP rs1596763433, ClinGen allele CA394865934.
Genomic context (GRCh38, chr16:15,741,669, plus strand): 5'-CTGCATACAGCTCTGTCTCTGCCTGCAGCTGTTCCTGTAGCAGGTTCTTCTCCTCGGTCA[G>C]CTGCACGCAGGTGGTGGGGAGGAGGCGGGTGAGCCCCACGGGGCCAAGTCCTGTTCCCCA-3'
Protein context (NP_002465.1, residues 875-895): LKELEQKHSQ[Leu885Val]TEEKNLLQEQ